The following is an entry in ClinVar:

NM_018192.4(P3H2):c.855T>A (p.His285Gln)

Gene: P3H2 (prolyl 3-hydroxylase 2; minus strand). Cytogenetic location: 3q28.
Variant type: single nucleotide variant.
Coding change: c.855T>A on transcript NM_018192.4 (MANE Select); coding-DNA position 855, T replaced by A.
Protein change: p.His285Gln; replaces histidine 285 with glutamine.
Molecular consequence: missense variant.
Genome position (GRCh38, 1-based): chr3:189,989,007, A>T on the plus strand (T>A on the coding strand, the complement: P3H2 is on the minus strand). VCF-style: chr3-189989007-A-T. GRCh37 (hg19) VCF-style: chr3-189706796-A-T.
Other names: c.312T>A, p.His104Gln (NM_001134418.2); c.855T>A (NM_018192.3); short protein forms H104Q, H285Q.
Identifiers: ClinVar variation 1496793 (VCV001496793.8), dbSNP rs1412110584, ClinGen allele CA355758919.

ClinVar aggregate classification (germline): Uncertain significance. Review status: criteria provided, multiple submitters, no conflicts (2 of 4 stars). 3 submissions from 3 submitters: Uncertain significance (3). Last evaluated 2024-12-11.

Conditions:
Inborn genetic diseases. Identifiers: MedGen C0950123, MeSH D030342.

Allele frequency attached by ClinVar (database versions not stated): gnomAD exomes below 0.00001; gnomAD 0.00001; TOPMed 0.00002.
gnomAD v4.1: 7 of 1,614,024 alleles (0.00043%); highest among the groups gnomAD compares: South Asian, 0.0011%; no homozygotes.

Submissions (3):

Ambry Genetics
Classification: Uncertain significance for Inborn genetic diseases. Last evaluated: 2024-12-11. Review status: criteria provided, single submitter. Criteria: Ambry Variant Classification Scheme 2023. Collection method: clinical testing. Allele origin: germline.

Labcorp Genetics (formerly Invitae), Labcorp
Classification: Uncertain significance. Last evaluated: 2024-02-23. Review status: criteria provided, single submitter. Criteria: Invitae Variant Classification Sherloc (09022015). Collection method: clinical testing. Allele origin: germline.
Comment: This sequence change replaces histidine, which is basic and polar, with glutamine, which is neutral and polar, at codon 285 of the P3H2 protein (p.His285Gln). This variant is present in population databases (no rsID available, gnomAD 0.003%). This variant has not been reported in the literature in individuals affected with P3H2-related conditions. ClinVar contains an entry for this variant (Variation ID: 1496793). Advanced modeling of protein sequence and biophysical properties (such as structural, functional, and spatial information, amino acid conservation, physicochemical variation, residue mobility, and thermodynamic stability) performed at Invitae indicates that this missense variant is not expected to disrupt P3H2 protein function with a negative predictive value of 80%. In summary, the available evidence is currently insufficient to determine the role of this variant in disease. Therefore, it has been classified as a Variant of Uncertain Significance.

Blueprint Genetics
Classification: Uncertain significance. Last evaluated: 2020-10-26. Review status: criteria provided, single submitter. Criteria: ACMG Guidelines, 2015. Collection method: clinical testing. Allele origin: germline.